The following is an entry in ClinVar:

NM_001111.5(ADAR):c.2926_2928del (p.Cys976del)

Gene: ADAR (adenosine deaminase RNA specific; minus strand). Cytogenetic location: 1q21.3.
Variant type: Deletion.
Coding change: c.2926_2928del on transcript NM_001111.5 (MANE Select); coding-DNA positions 2926 to 2928, 3 bases deleted (TGC; older notation c.2926_2928delTGC).
Protein change: p.Cys976del; deletes cysteine 976.
Molecular consequence: inframe deletion.
Genome position (GRCh38, 1-based): chr1:154,588,216-154,588,218, GCA deleted on the plus strand (TGC on the coding strand, the reverse complement: ADAR is on the minus strand); deleting any 3 consecutive bases within chr1:154,588,216-154,588,219 gives the same sequence; the c. name uses the placement nearest the transcript's 3' end. VCF-style (leftmost placement, unchanged base first): chr1-154588215-TGCA-T. GRCh37 (hg19) VCF-style: chr1-154560691-TGCA-T.
Other names: c.2041_2043del, p.Cys681del (NM_001025107.3, NM_001193495.2, NM_001365046.1 and 2 more transcripts); c.2953_2955del, p.Cys985del (NM_001365045.1); c.1963_1965del, p.Cys655del (NM_001365049.1); c.2848_2850del, p.Cys950del (NM_015840.4); c.2791_2793del, p.Cys931del (NM_015841.4); short protein forms C655del, C931del, C985del, C681del, C950del, C976del.
Identifiers: ClinVar variation 1362277 (VCV001362277.8), dbSNP rs2101576453, ClinGen allele CA2573130544.

ClinVar aggregate classification (germline): Uncertain significance (1 of 4 stars; one submission).

Conditions:
Aicardi-Goutieres syndrome 6 (AGS6). Identifiers: Orphanet 51, MedGen C3539013, MONDO:0014007, OMIM 615010.
Symmetrical dyschromatosis of extremities (DSH). Also called: Dyschromatosis symmetrica hereditaria; RETICULATE ACROPIGMENTATION OF DOHI; SYMMETRIC DYSCHROMATOSIS OF THE EXTREMITIES; DYSCHROMATOSIS SYMMETRICA HEREDITARIA 1. Identifiers: Orphanet 41, MedGen C0406775, MONDO:0007483, OMIM 127400.

Submission:

Labcorp Genetics (formerly Invitae), Labcorp
Classification: Uncertain significance for Aicardi-Goutieres syndrome 6; Symmetrical dyschromatosis of extremities. Last evaluated: 2022-01-27. Review status: criteria provided, single submitter. Criteria: Invitae Variant Classification Sherloc (09022015). Collection method: clinical testing. Allele origin: germline.
Comment: In summary, the available evidence is currently insufficient to determine the role of this variant in disease. Therefore, it has been classified as a Variant of Uncertain Significance. Experimental studies and prediction algorithms are not available or were not evaluated, and the functional significance of this variant is currently unknown. This variant has not been reported in the literature in individuals affected with ADAR-related conditions. This variant is not present in population databases (gnomAD no frequency). This variant, c.2926_2928del, results in the deletion of 1 amino acid(s) of the ADAR protein (p.Cys976del), but otherwise preserves the integrity of the reading frame.